The following is an entry in ClinVar:

ClinVar aggregate classification (germline): Likely benign (1 of 4 stars; one submission).

Allele frequency attached by ClinVar (database versions not stated): gnomAD exomes below 0.00001 and 0.00001.
gnomAD v4.1: 10 of 1,613,148 alleles (0.00062%); highest among the groups gnomAD compares: East Asian, 0.013%; no homozygotes.

Submission:

GeneDx
Classification: Likely benign. Last evaluated: 2017-06-26. Review status: criteria provided, single submitter. Criteria: GeneDx Variant Classification (06012015). Collection method: clinical testing. Allele origin: germline. Affected: yes.
Comment: This variant is considered likely benign or benign based on one or more of the following criteria: it is a conservative change, it occurs at a poorly conserved position in the protein, it is predicted to be benign by multiple in silico algorithms, and/or has population frequency not consistent with disease.

NM_001077365.2(POMT1):c.2003+10C>T

Gene: POMT1 (protein O-mannosyltransferase 1; plus strand). Cytogenetic location: 9q34.13.
Variant type: single nucleotide variant.
Coding change: c.2003+10C>T on transcript NM_001077365.2 (MANE Select); 10 bases into the intron after coding-DNA position 2003, C replaced by T.
Molecular consequence: intron variant.
Genome position (GRCh38, 1-based): chr9:131,522,234, C>T. VCF-style: chr9-131522234-C-T. GRCh37 (hg19) VCF-style: chr9-134397621-C-T.
Other names: c.1907+10C>T (NM_001353198.2, NM_001353197.2); c.2069+10C>T (NM_001353193.2, NM_007171.4); c.2003+10C>T (NM_001136113.2); c.1841+10C>T (NM_001353194.2, NM_001077366.2); c.1652+10C>T (NM_001374691.1, NM_001353195.2, NM_001374692.1 and 2 more transcripts); c.1784+10C>T (NM_001374690.1); c.1913+10C>T (NM_001353196.2); c.1613+10C>T (NM_001374695.1); and 3 more.
Identifiers: ClinVar variation 510556 (VCV000510556.1), dbSNP rs1474253398, ClinGen allele CA590946835.